The following is an entry in ClinVar:

NM_000180.4(GUCY2D):c.1315G>T (p.Gly439Trp)

Gene: GUCY2D (guanylate cyclase 2D, retinal; plus strand). Cytogenetic location: 17p13.1.
Variant type: single nucleotide variant.
Coding change: c.1315G>T on transcript NM_000180.4 (MANE Select); coding-DNA position 1315, G replaced by T.
Protein change: p.Gly439Trp; replaces glycine 439 with tryptophan.
Molecular consequence: missense variant.
Genome position (GRCh38, 1-based): chr17:8,006,651, G>T. VCF-style: chr17-8006651-G-T. GRCh37 (hg19) VCF-style: chr17-7909969-G-T.
Other names: short protein forms G439W.
Identifiers: ClinVar variation 1505283 (VCV001505283.5), dbSNP rs140638938, ClinGen allele CA397948340.

ClinVar aggregate classification (germline): Uncertain significance (1 of 4 stars; one submission).

Conditions:
Cone-rod dystrophy 6 (CORD6). Also called: RETINAL CONE DYSTROPHY 2; Cone dystrophy progressive. Identifiers: Orphanet 1872, MedGen C1866293, MONDO:0011143, OMIM 601777.
Leber congenital amaurosis 1 (LCA1). Also called: Congenital absence of the rods and cones; Leber's congenital tapetoretinal degeneration; Leber's congenital tapetoretinal dysplasia; RETINAL BLINDNESS, CONGENITAL; AMAUROSIS CONGENITA OF LEBER I. Identifiers: Orphanet 65, MedGen C2931258, MONDO:0008764, OMIM 204000.

Submission:

Labcorp Genetics (formerly Invitae), Labcorp
Classification: Uncertain significance for Leber congenital amaurosis 1; Cone-rod dystrophy 6. Last evaluated: 2021-08-14. Review status: criteria provided, single submitter. Criteria: Invitae Variant Classification Sherloc (09022015). Collection method: clinical testing. Allele origin: germline.
Comment: This sequence change replaces glycine with tryptophan at codon 439 of the GUCY2D protein (p.Gly439Trp). The glycine residue is highly conserved and there is a large physicochemical difference between glycine and tryptophan. This variant is not present in population databases (ExAC no frequency). This variant has not been reported in the literature in individuals affected with GUCY2D-related conditions. Algorithms developed to predict the effect of missense changes on protein structure and function (SIFT, PolyPhen-2, Align-GVGD) all suggest that this variant is likely to be disruptive. In summary, the available evidence is currently insufficient to determine the role of this variant in disease. Therefore, it has been classified as a Variant of Uncertain Significance.